The following is an entry in ClinVar:

ClinVar aggregate classification (germline): Likely pathogenic. Review status: criteria provided, multiple submitters, no conflicts (2 of 4 stars). 2 submissions from 2 submitters: Likely pathogenic (2). Last evaluated 2026-02-06.

Conditions:
MEDNIK syndrome (MEDNIK). Also called: ERYTHROKERATODERMIA VARIABILIS, KAMOURASKA TYPE. Identifiers: Orphanet 171851, MedGen C1836330, MONDO:0012251, OMIM 609313.

Submissions (2):

GeneDx
Classification: Likely pathogenic. Last evaluated: 2026-02-06. Review status: criteria provided, single submitter. Criteria: GeneDx Variant Classification Process June 2021. Collection method: clinical testing. Allele origin: germline. Affected: yes.
Comment: Frameshift variant in the C-terminus predicted to result in protein truncation, as the last 37 amino acids are lost and replaced with 10 incorrect amino acids; Has not been previously published as pathogenic or benign to our knowledge

Hadassah Hebrew University Medical Center
Classification: Likely pathogenic for MEDNIK syndrome. Last evaluated: 2019-06-20. Review status: criteria provided, single submitter. Criteria: ACMG Guidelines, 2015. Collection method: clinical testing. Allele origin: germline. Inheritance: Autosomal recessive inheritance. Affected: yes.

NM_001283.5(AP1S1):c.364del (p.Asp122fs)

Gene: AP1S1 (adaptor related protein complex 1 subunit sigma 1; plus strand). Cytogenetic location: 7q22.1.
Variant type: Deletion.
Coding change: c.364del on transcript NM_001283.5 (MANE Select); coding-DNA position 364, one base deleted (G; older notation c.364delG).
Protein change: p.Asp122fs; shifts the reading frame from aspartic acid 122.
Molecular consequence: frameshift variant.
Genome position (GRCh38, 1-based): chr7:101,159,131, G deleted; the last of 8 consecutive G bases (chr7:101,159,124-101,159,131); deleting any one gives the same sequence. VCF-style (leftmost placement, unchanged base first): chr7-101159123-TG-T. GRCh37 (hg19) VCF-style: chr7-100802404-TG-T.
Other names: short protein forms D122fs.
Identifiers: ClinVar variation 804404 (VCV000804404.7), dbSNP rs767358930, ClinGen allele CA4405985.
Genomic context (GRCh38, chr7:101,159,123, plus strand): 5'-GCGAGCTGGACATCATCTTCAACTTTGAGAAGGCCTACTTCATCCTGGATGAGTTTTTGA[TG>T]GGGGGGGATGTCCAGGACACCTCCAAGAAGAGTGTGCTGAAAGCCATCGAGCAGGCTGAC-3'